The following is an entry in ClinVar:

ClinVar aggregate classification (germline): Uncertain significance (0 of 4 stars; one submission).

Conditions:
Bronchiectasis. Identifiers: MedGen C0006267, MONDO:0004822, HP:0002110.

Allele frequency attached by ClinVar (database versions not stated): gnomAD 0.00001; TOPMed 0.00001.
gnomAD v4.1: 35 of 1,613,836 alleles (0.0022%); highest among the groups gnomAD compares: South Asian, 0.015%; no homozygotes.

Submission:

Center for Human Genetics and Genomic Medicine, Uniklinik Rwth Aachen
Classification: Uncertain significance for Bronchiectasis. Last evaluated: 2021-02-22. Review status: no assertion criteria provided. Collection method: clinical testing. Allele origin: paternal. Inheritance: Autosomal recessive inheritance. Affected: yes. Observed: 1 variant allele, 1 compound heterozygote.

NM_006901.4(MYO9A):c.6656G>A (p.Arg2219His)

Gene: MYO9A (myosin IXA; minus strand). Cytogenetic location: 15q23.
Variant type: single nucleotide variant.
Coding change: c.6656G>A on transcript NM_006901.4 (MANE Select); coding-DNA position 6656, G replaced by A.
Protein change: p.Arg2219His; replaces arginine 2219 with histidine.
Molecular consequence: missense variant.
Genome position (GRCh38, 1-based): chr15:71,850,093, C>T on the plus strand (G>A on the coding strand, the complement: MYO9A is on the minus strand). VCF-style: chr15-71850093-C-T. GRCh37 (hg19) VCF-style: chr15-72142434-C-T.
Other names: Chr15:71850093C>T; short protein forms R2219H.
Identifiers: ClinVar variation 997446 (VCV000997446.3), dbSNP rs780540584, ClinGen allele CA7640827.